The following is an entry in ClinVar:

NM_001369.3(DNAH5):c.12472C>T (p.Arg4158Trp)

Gene: DNAH5 (dynein axonemal heavy chain 5; minus strand). Cytogenetic location: 5p15.2.
Variant type: single nucleotide variant.
Coding change: c.12472C>T on transcript NM_001369.3 (MANE Select); coding-DNA position 12472, C replaced by T.
Protein change: p.Arg4158Trp; replaces arginine 4158 with tryptophan.
Molecular consequence: missense variant.
Genome position (GRCh38, 1-based): chr5:13,718,909, G>A on the plus strand (C>T on the coding strand, the complement: DNAH5 is on the minus strand). VCF-style: chr5-13718909-G-A. GRCh37 (hg19) VCF-style: chr5-13719018-G-A.
Other names: short protein forms R4158W.
Identifiers: ClinVar variation 238959 (VCV000238959.32), dbSNP rs3756672, ClinGen allele CA3201631.

ClinVar aggregate classification (germline): Benign/Likely benign. Review status: criteria provided, multiple submitters, no conflicts (2 of 4 stars). 10 submissions from 10 submitters: Benign (4); Likely benign (4). 2 of the submissions do not count toward it. Last evaluated 2026-07-01.

Conditions:
Primary ciliary dyskinesia. Also called: Ciliary dyskinesia. Identifiers: Orphanet 244, MedGen C0008780, MONDO:0016575, HP:0012265.
Primary ciliary dyskinesia 3. Identifiers: Orphanet 244, MedGen C1837618, MONDO:0012085, OMIM 608644.

Allele frequency attached by ClinVar (database versions not stated): ESP Exome Variant Server 0.00008; gnomAD 0.00118 and 0.00218; TOPMed 0.00174; gnomAD exomes 0.00215 and 0.00449; ExAC 0.00422; 1000 Genomes Project 30x 0.01280; 1000 Genomes Project 0.01298.
gnomAD v4.1: 3,582 of 1,613,842 alleles (0.22%); highest among the groups gnomAD compares: East Asian, 4.7%; 86 homozygotes.

Submissions (10):

CeGaT Center for Human Genetics Tuebingen
Classification: Benign. Last evaluated: 2026-07-01. Review status: criteria provided, single submitter. Criteria: CeGaT Center For Human Genetics Tuebingen Variant Classification Criteria Version 2. Collection method: clinical testing. Allele origin: germline. Affected: yes. Observed: 2 variant alleles.
Comment: DNAH5: BS1, BS2

Labcorp Genetics (formerly Invitae), Labcorp
Classification: Benign for Primary ciliary dyskinesia. Last evaluated: 2026-01-26. Review status: criteria provided, single submitter. Criteria: Invitae Variant Classification Sherloc (09022015). Collection method: clinical testing. Allele origin: germline.

Fulgent Genetics
Classification: Likely benign for Primary ciliary dyskinesia 3. Last evaluated: 2021-11-30. Review status: criteria provided, single submitter. Criteria: ACMG Guidelines, 2015. Collection method: clinical testing. Allele origin: unknown.

GeneDx
Classification: Likely benign. Last evaluated: 2021-05-05. Review status: criteria provided, single submitter. Criteria: GeneDx Variant Classification Process June 2021. Collection method: clinical testing. Allele origin: germline. Affected: yes.
Comment: See Variant Classification Assertion Criteria.

Illumina Laboratory Services, Illumina
Classification: Likely benign for Primary ciliary dyskinesia 3. Last evaluated: 2018-01-13. Review status: criteria provided, single submitter. Criteria: ICSL Variant Classification Criteria 13 December 2019. Collection method: clinical testing. Allele origin: germline.
Comment: This variant was observed in the ICSL laboratory as part of a predisposition screen in an ostensibly healthy population. It had not been previously curated by ICSL or reported in the Human Gene Mutation Database (HGMD: prior to June 1st, 2018), and was therefore a candidate for classification through an automated scoring system. Utilizing variant allele frequency, disease prevalence and penetrance estimates, and inheritance mode, an automated score was calculated to assess if this variant is too frequent to cause the disease. Based on the score and internal cut-off values, a variant classified as likely benign is not then subjected to further curation. The score for this variant resulted in a classification of likely benign for this disease.

Ambry Genetics
Classification: Benign for Primary ciliary dyskinesia. Last evaluated: 2015-06-02. Review status: criteria provided, single submitter. Criteria: Ambry Variant Classification Scheme 2023. Collection method: clinical testing. Allele origin: germline.

Breakthrough Genomics
Classification: Likely benign. Review status: criteria provided, single submitter. Criteria: ACMG Guidelines, 2015. Collection method: not provided. Allele origin: germline. Inheritance: Autosomal recessive inheritance. Affected: yes.

PreventionGenetics, part of Exact Sciences
Classification: Benign. Review status: criteria provided, single submitter. Criteria: ACMG Guidelines, 2015. Collection method: clinical testing. Allele origin: germline.

Natera, Inc.
Classification: Benign for Primary ciliary dyskinesia. Last evaluated: 2020-04-20. Review status: no assertion criteria provided. Collection method: clinical testing. Allele origin: germline. Not counted in ClinVar's aggregate classification.

Counsyl
Classification: Likely benign for Primary ciliary dyskinesia 3. Last evaluated: 2017-03-06. Review status: no assertion criteria provided. Collection method: clinical testing. Allele origin: unknown. Not counted in ClinVar's aggregate classification.

Literature cited by the submitters: PubMed 26918822 (cited by Counsyl).